The following is an entry in ClinVar:

NM_213599.3(ANO5):c.788C>T (p.Pro263Leu)

Gene: ANO5 (anoctamin 5; plus strand). Cytogenetic location: 11p14.3.
Variant type: single nucleotide variant.
Coding change: c.788C>T on transcript NM_213599.3 (MANE Select); coding-DNA position 788, C replaced by T.
Protein change: p.Pro263Leu; replaces proline 263 with leucine.
Molecular consequence: missense variant.
Genome position (GRCh38, 1-based): chr11:22,239,594, C>T. VCF-style: chr11-22239594-C-T. GRCh37 (hg19) VCF-style: chr11-22261140-C-T.
Other names: c.785C>T, p.Pro262Leu (NM_001142649.2); short protein forms P263L, P262L.
Identifiers: ClinVar variation 641904 (VCV000641904.16), dbSNP rs754281591, ClinGen allele CA5923031.
Genomic context (GRCh38, chr11:22,239,594, plus strand): 5'-CGTCTTTTATGTACCCTCCTCTTGAATATCTGCAGGGCCAATATTGGAAGCCATCAGAAC[C>T]TCCCAATCCTACCAATGAAAGATACACACTTCACCAGAATTGGGCTCGATTTTCCTATTT-3'
Protein context (NP_998764.1, residues 253-273): HDGQYWKPSE[Pro263Leu]PNPTNERYTL

ClinVar aggregate classification (germline): Uncertain significance. Review status: criteria provided, multiple submitters, no conflicts (2 of 4 stars). 3 submissions from 3 submitters: Uncertain significance (3). Last evaluated 2026-01-24.

Conditions:
Autosomal recessive limb-girdle muscular dystrophy type 2L (LGMDR12). Also called: Limb-girdle muscular dystrophy, type 2L; MUSCULAR DYSTROPHY, LIMB-GIRDLE, AUTOSOMAL RECESSIVE 12; Limb-Girdle Muscular Dystrophy R12 Anoctamin-5-Related (LGMD-R12). Identifiers: Orphanet 206549, MedGen C1969785, MONDO:0012652, OMIM 611307.
Gnathodiaphyseal dysplasia (GDD). Also called: GNATHODIAPHYSEAL SCLEROSIS; OSTEOGENESIS IMPERFECTA WITH UNUSUAL SKELETAL LESIONS. Identifiers: Orphanet 53697, MedGen C1833736, MONDO:0008151, OMIM 166260.
Inborn genetic diseases. Identifiers: MedGen C0950123, MeSH D030342.

Allele frequency attached by ClinVar (database versions not stated): gnomAD 0.00003; TOPMed 0.00003; ExAC 0.00004; gnomAD exomes 0.00004.
gnomAD v4.1: 75 of 1,612,624 alleles (0.0047%); highest among the groups gnomAD compares: Non-Finnish European, 0.0058%; 1 homozygote.

Submissions (3):

Labcorp Genetics (formerly Invitae), Labcorp
Classification: Uncertain significance for Autosomal recessive limb-girdle muscular dystrophy type 2L; Gnathodiaphyseal dysplasia. Last evaluated: 2026-01-24. Review status: criteria provided, single submitter. Criteria: Invitae Variant Classification Sherloc (09022015). Collection method: clinical testing. Allele origin: germline.
Comment: This sequence change replaces proline, which is neutral and non-polar, with leucine, which is neutral and non-polar, at codon 263 of the ANO5 protein (p.Pro263Leu). This variant is present in population databases (rs754281591, gnomAD 0.008%). This missense change has been observed in individual(s) with limb-girdle muscular dystrophy (PMID: 39678382). ClinVar contains an entry for this variant (Variation ID: 641904). Invitae Evidence Modeling of protein sequence and biophysical properties (such as structural, functional, and spatial information, amino acid conservation, physicochemical variation, residue mobility, and thermodynamic stability) has been performed for this missense variant. However, the output from this modeling did not meet the statistical confidence thresholds required to predict the impact of this variant on ANO5 protein function. In summary, the available evidence is currently insufficient to determine the role of this variant in disease. Therefore, it has been classified as a Variant of Uncertain Significance.

Ambry Genetics
Classification: Uncertain significance for Inborn genetic diseases. Last evaluated: 2025-08-07. Review status: criteria provided, single submitter. Criteria: Ambry Variant Classification Scheme 2023. Collection method: clinical testing. Allele origin: germline.

Revvity Omics, Revvity
Classification: Uncertain significance. Last evaluated: 2020-07-09. Review status: criteria provided, single submitter. Criteria: ACMG Guidelines, 2015. Collection method: clinical testing. Allele origin: germline.

Literature cited by the submitters: PubMed 39678382 (cited by Labcorp Genetics (formerly Invitae), Labcorp).